The following is an entry in ClinVar:

NM_001384474.1(LOXHD1):c.5692+1G>A

Gene: LOXHD1 (lipoxygenase homology PLAT domains 1; minus strand). Cytogenetic location: 18q21.1.
Variant type: single nucleotide variant.
Coding change: c.5692+1G>A on transcript NM_001384474.1 (MANE Select); the canonical splice donor site of the intron after coding-DNA position 5692, G replaced by A.
Molecular consequence: splice donor variant.
Genome position (GRCh38, 1-based): chr18:46,507,537, C>T on the plus strand (G>A on the coding strand, the complement: LOXHD1 is on the minus strand). VCF-style: chr18-46507537-C-T. GRCh37 (hg19) VCF-style: chr18-44087500-C-T.
Other names: c.2071+1G>A (NM_001308013.2); c.409+1G>A (NM_001173129.2, NM_001145473.3); c.5506+1G>A (NM_144612.7); c.2359+1G>A (NM_001145472.3).
Identifiers: ClinVar variation 2760937 (VCV002760937.3), dbSNP rs2511494250, ClinGen allele CA402367924.

ClinVar aggregate classification (germline): Likely pathogenic (1 of 4 stars; one submission).

Submission:

Labcorp Genetics (formerly Invitae), Labcorp
Classification: Likely pathogenic. Last evaluated: 2025-12-18. Review status: criteria provided, single submitter. Criteria: Invitae Variant Classification Sherloc (09022015). Collection method: clinical testing. Allele origin: germline.
Comment: This sequence change affects a donor splice site in intron 35 of the LOXHD1 gene. It is expected to disrupt RNA splicing. Variants that disrupt the donor or acceptor splice site typically lead to a loss of protein function (PMID: 16199547), and loss-of-function variants in LOXHD1 are known to be pathogenic (PMID: 19732867, 21465660, 25792669). This variant is not present in population databases (gnomAD no frequency). This variant has not been reported in the literature in individuals affected with LOXHD1-related conditions. ClinVar contains an entry for this variant (Variation ID: 2760937). Algorithms developed to predict the effect of sequence changes on RNA splicing suggest that this variant may disrupt the consensus splice site. In summary, the currently available evidence indicates that the variant is pathogenic, but additional data are needed to prove that conclusively. Therefore, this variant has been classified as Likely Pathogenic.

Literature cited by the submitters: PubMed 16199547; PubMed 19732867; PubMed 21465660; PubMed 25792669.